The following is an entry in ClinVar:

ClinVar aggregate classification (germline): Uncertain significance (1 of 4 stars; one submission).

Allele frequency attached by ClinVar (database versions not stated): gnomAD exomes below 0.00001; TOPMed below 0.00001.
gnomAD v4.1: 4 of 1,611,990 alleles (0.00025%); highest among the groups gnomAD compares: African/African-American, 0.0013%; no homozygotes.

Submission:

Labcorp Genetics (formerly Invitae), Labcorp
Classification: Uncertain significance. Last evaluated: 2025-08-17. Review status: criteria provided, single submitter. Criteria: Invitae Variant Classification Sherloc (09022015). Collection method: clinical testing. Allele origin: germline.
Comment: This sequence change replaces isoleucine, which is neutral and non-polar, with leucine, which is neutral and non-polar, at codon 1775 of the MYO5B protein (p.Ile1775Leu). This variant is not present in population databases (gnomAD no frequency). This variant has not been reported in the literature in individuals affected with MYO5B-related conditions. ClinVar contains an entry for this variant (Variation ID: 1717348). Invitae Evidence Modeling of protein sequence and biophysical properties (such as structural, functional, and spatial information, amino acid conservation, physicochemical variation, residue mobility, and thermodynamic stability) indicates that this missense variant is not expected to disrupt MYO5B protein function with a negative predictive value of 80%. In summary, the available evidence is currently insufficient to determine the role of this variant in disease. Therefore, it has been classified as a Variant of Uncertain Significance.

NM_001080467.3(MYO5B):c.5323A>C (p.Ile1775Leu)

Genes: MYO5B (myosin VB; minus strand), SNHG22 (small nucleolar RNA host gene 22; plus strand). Cytogenetic location: 18q21.1.
Variant type: single nucleotide variant.
Coding change: c.5323A>C on transcript NM_001080467.3 (MANE Select); coding-DNA position 5323, A replaced by C.
Protein change: p.Ile1775Leu; replaces isoleucine 1775 with leucine.
Molecular consequence: missense variant.
Genome position (GRCh38, 1-based): chr18:49,835,415, T>G on the plus strand (A>C on the coding strand, the complement: MYO5B is on the minus strand). VCF-style: chr18-49835415-T-G. GRCh37 (hg19) VCF-style: chr18-47361785-T-G.
Other names: short protein forms I1775L.
Identifiers: ClinVar variation 1717348 (VCV001717348.4), dbSNP rs1170647793, ClinGen allele CA402419637.